The following is an entry in ClinVar:

NC_000022.10:g.(33828252_33960833)_(34157546_34252727)del

Gene: LARGE1 (LARGE xylosyl- and glucuronyltransferase 1; minus strand). Cytogenetic location: 22q12.3.
Variant type: Deletion.
Identifiers: ClinVar variation 4887259 (VCV004887259.1).

ClinVar aggregate classification (germline): Pathogenic (1 of 4 stars; one submission).

Conditions:
LARGE1-Related Disorders.

Submission:

Women's Health and Genetics/Laboratory Corporation of America, LabCorp
Classification: Pathogenic for LARGE1-Related Disorders. Last evaluated: 2026-06-15. Review status: criteria provided, single submitter. Criteria: LabCorp Variant Classification Summary - May 2015. Collection method: clinical testing. Allele origin: germline.
Comment: Variant summary: The variant involves the deletion of exons 3-7 in the LARGE1 gene. A presumed nomenclature of c.(-83+1_-82-1)_(787+1_788-1)del has been designated for the purposes of this classification. The exact breakpoint at the 5' end of this variant is unknown, therefore this deletion may extend upstream of the annotated region of this gene. Although the exact breakpoints of this deletion are not known, it is predicted to remove the initiation codon and result in an absence of protein or a truncation of the encoded protein due to translation initiation at a downstream site. Loss-of-function variants in this gene are known to be pathogenic. The variant was absent in 21388 control chromosomes. c.(-83+1_-82-1)_(787+1_788-1)del has been observed in the presumed compound heterozygous state in at least 1 individual(s) affected with LARGE1-related conditions (example, Meilleur_2014). These report(s) do not provide unequivocal conclusions about association of the variant with disease. To our knowledge, no experimental evidence demonstrating an impact on protein function has been reported. The following publication has been ascertained in the context of this evaluation (PMID: 24709677). ClinVar contains an entry for this variant (Variation ID: 2425219). Based on the evidence outlined above, the variant was classified as pathogenic.

Literature cited by the submitters: PubMed 24709677.